The following is an entry in ClinVar:

ClinVar aggregate classification (germline): Uncertain significance (1 of 4 stars; one submission).

Allele frequency attached by ClinVar (database versions not stated): TOPMed below 0.00001; gnomAD 0.00001.

Submission:

GeneDx
Classification: Uncertain significance. Last evaluated: 2022-06-24. Review status: criteria provided, single submitter. Criteria: GeneDx Variant Classification Process June 2021. Collection method: clinical testing. Allele origin: germline. Affected: yes.
Comment: Not observed at significant frequency in large population cohorts (gnomAD); In silico analysis supports a deleterious effect on splicing; Has not been previously published as pathogenic or benign to our knowledge

NM_001289104.2(PRKCSH):c.292+2dup

Gene: PRKCSH (PRKCSH beta subunit of glucosidase II; plus strand). Cytogenetic location: 19p13.2.
Variant type: Duplication.
Coding change: c.292+2dup on transcript NM_001289104.2 (MANE Select); the canonical splice donor site of the intron after coding-DNA position 292, one base duplicated (T; older notation c.292+2dupT).
Molecular consequence: splice donor variant.
Genome position (GRCh38, 1-based): chr19:11,437,973, T duplicated. VCF-style (leftmost placement, unchanged base first): chr19-11437972-G-GT. GRCh37 (hg19) VCF-style: chr19-11548793-G-GT.
Other names: c.292+2dup (NM_001289103.2, NM_001379609.1, NM_001379608.1 and 3 more transcripts).
Identifiers: ClinVar variation 1806522 (VCV001806522.1), dbSNP rs1166772003, ClinGen allele CA783251999.
Genomic context (GRCh38, chr19:11,437,972, plus strand): 5'-CCAACACTGGCTATAAGCCCCTGTATATCCCCTCCAACCGGGTCAACGATGGTGTTTGTG[G>GT]TAAGTGAAGATGCACCAGGATTCTGGAAAGGTGGTAGAGGGAGGGAGGGAGGAGGCACTG-3'